The following is an entry in ClinVar:

NM_022114.4(PRDM16):c.1597T>C (p.Ser533Pro)

Gene: PRDM16 (PR/SET domain 16; plus strand). Cytogenetic location: 1p36.32.
Variant type: single nucleotide variant.
Coding change: c.1597T>C on transcript NM_022114.4 (MANE Select); coding-DNA position 1597, T replaced by C.
Protein change: p.Ser533Pro; replaces serine 533 with proline.
Molecular consequence: missense variant.
Genome position (GRCh38, 1-based): chr1:3,411,794, T>C. VCF-style: chr1-3411794-T-C. GRCh37 (hg19) VCF-style: chr1-3328358-T-C.
Other names: c.1597T>C, p.Ser533Pro (NM_199454.3); short protein forms S533P.
Identifiers: ClinVar variation 227026 (VCV000227026.25), dbSNP rs870124, ClinGen allele CA544230.

ClinVar aggregate classification (germline): Benign. Review status: criteria provided, multiple submitters, no conflicts (2 of 4 stars). 12 submissions from 12 submitters: Benign (9). 3 of the submissions do not count toward it. Last evaluated 2026-02-04.

Conditions:
Left ventricular noncompaction 8 (LVNC8). Identifiers: Orphanet 154, Orphanet 54260, MedGen C3809288, MONDO:0014152, OMIM 615373.

Allele frequency attached by ClinVar (database versions not stated): gnomAD exomes 0.85026; ESP Exome Variant Server 0.87774; gnomAD 0.89071; TOPMed 0.89226; 1000 Genomes Project 30x 0.94113; 1000 Genomes Project 0.94509.
gnomAD v4.1: 1,377,126 of 1,611,306 alleles (85%); highest among the groups gnomAD compares: East Asian, 100%; 590,885 homozygotes.

Submissions (12):

Labcorp Genetics (formerly Invitae), Labcorp
Classification: Benign for Left ventricular noncompaction 8. Last evaluated: 2026-02-04. Review status: criteria provided, single submitter. Criteria: Invitae Variant Classification Sherloc (09022015). Collection method: clinical testing. Allele origin: germline.

Blueprint Genetics
Classification: Benign. Last evaluated: 2024-11-26. Review status: criteria provided, single submitter. Criteria: ACMG Guidelines, 2015. Collection method: clinical testing. Allele origin: germline.

Women's Health and Genetics/Laboratory Corporation of America, LabCorp
Classification: Benign. Last evaluated: 2023-04-04. Review status: criteria provided, single submitter. Criteria: LabCorp Variant Classification Summary - May 2015. Collection method: clinical testing. Allele origin: germline.

Mayo Clinic Laboratories, Mayo Clinic
Classification: Benign. Last evaluated: 2022-04-26. Review status: criteria provided, single submitter. Criteria: ACMG Guidelines, 2015. Collection method: clinical testing. Allele origin: germline. Observed: 751 variant alleles.

Genome-Nilou Lab
Classification: Benign for Left ventricular noncompaction 8. Last evaluated: 2021-10-25. Review status: criteria provided, single submitter. Criteria: ACMG Guidelines, 2015. Collection method: clinical testing. Allele origin: germline. Affected: no.

Mendelics
Classification: Benign for Left ventricular noncompaction 8. Last evaluated: 2019-05-28. Review status: criteria provided, single submitter. Criteria: Mendelics Assertion Criteria 2017. Collection method: clinical testing. Allele origin: unknown.

GeneDx
Classification: Benign. Last evaluated: 2016-09-09. Review status: criteria provided, single submitter. Criteria: GeneDx Variant Classification (06012015). Collection method: clinical testing. Allele origin: germline. Affected: yes.
Comment: This variant is considered likely benign or benign based on one or more of the following criteria: it is a conservative change, it occurs at a poorly conserved position in the protein, it is predicted to be benign by multiple in silico algorithms, and/or has population frequency not consistent with disease.

Laboratory for Molecular Medicine, Mass General Brigham Personalized Medicine
Classification: Benign. Last evaluated: 2014-11-24. Review status: criteria provided, single submitter. Criteria: LMM Criteria. Collection method: clinical testing. Allele origin: germline. Observed: 564 variant alleles.
Comment: Ser533Pro in exon 9 of PRDM16: This variant is not expected to have clinical sig nificance because it has been identified in 16.4% (1358/8260) of European Americ an chromosomes from a broad population by the NHLBI Exome Sequencing Project (dbSNP rs870124).

Breakthrough Genomics
Classification: Benign. Review status: criteria provided, single submitter. Criteria: ACMG Guidelines, 2015. Collection method: not provided. Allele origin: germline. Inheritance: Autosomal dominant inheritance. Affected: yes.

Clinical Genetics DNA and cytogenetics Diagnostics Lab, Erasmus MC, Erasmus Medical Center
Classification: Benign. Review status: no assertion criteria provided. Collection method: clinical testing. Allele origin: germline. Affected: yes. Study: VKGL Data-share Consensus. Not counted in ClinVar's aggregate classification.

Clinical Genetics, Academic Medical Center
Classification: Benign. Review status: no assertion criteria provided. Collection method: clinical testing. Allele origin: germline. Affected: yes. Study: VKGL Data-share Consensus. Not counted in ClinVar's aggregate classification.

Joint Genome Diagnostic Labs from Nijmegen and Maastricht, Radboudumc and MUMC+
Classification: Benign. Review status: no assertion criteria provided. Collection method: clinical testing. Allele origin: germline. Affected: yes. Study: VKGL Data-share Consensus. Not counted in ClinVar's aggregate classification.